The following is an entry in ClinVar:

ClinVar aggregate classification (germline): Uncertain significance (1 of 4 stars; one submission).

Submission:

Ambry Genetics
Classification: Uncertain significance. Last evaluated: 2022-06-27. Review status: criteria provided, single submitter. Criteria: Ambry Variant Classification Scheme 2023. Collection method: clinical testing. Allele origin: germline.
Comment: The p.R425T variant (also known as c.1274G>C), located in coding exon 10 of the RECQL gene, results from a G to C substitution at nucleotide position 1274. The arginine at codon 425 is replaced by threonine, an amino acid with similar properties. This amino acid position is conserved. In addition, this alteration is predicted to be deleterious by in silico analysis. Since supporting evidence is limited at this time, the clinical significance of this alteration remains unclear.

NM_002907.4(RECQL):c.1274G>C (p.Arg425Thr)

Gene: RECQL (RecQ like helicase; minus strand). Cytogenetic location: 12p12.1.
Variant type: single nucleotide variant.
Coding change: c.1274G>C on transcript NM_002907.4 (MANE Select); coding-DNA position 1274, G replaced by C.
Protein change: p.Arg425Thr; replaces arginine 425 with threonine.
Molecular consequence: missense variant.
Genome position (GRCh38, 1-based): chr12:21,474,922, C>G on the plus strand (G>C on the coding strand, the complement: RECQL is on the minus strand). VCF-style: chr12-21474922-C-G. GRCh37 (hg19) VCF-style: chr12-21627856-C-G.
Other names: c.1274G>C, p.Arg425Thr (NM_032941.3); short protein forms R425T.
Identifiers: ClinVar variation 1766254 (VCV001766254.2), dbSNP rs2137333693, ClinGen allele CA384118626.
Genomic context (GRCh38, chr12:21,474,922, plus strand): 5'-GATACCATCTCATAAAGCTTCTGCTGTCCCACATTTTCCATCACCACCATTGAACTTATT[C>G]TGAATATATCTCCAAAGCCGTAGTACAAAATACAGTCTGCTTTCATGTCATCTCGACCTG-3'
Protein context (NP_002898.2, residues 415-435): ILYYGFGDIF[Arg425Thr]ISSMVVMENV